The following is an entry in ClinVar:

ClinVar aggregate classification (germline): Uncertain significance. Review status: criteria provided, multiple submitters, no conflicts (2 of 4 stars). 4 submissions from 3 submitters: Uncertain significance (3). 1 of the submissions does not count toward it. Last evaluated 2025-06-12.

Conditions:
Transitory neonatal diabetes mellitus. Also called: Transient neonatal diabetes mellitus. Identifiers: MedGen C0342273, MONDO:0020525, HP:0008255.
Maturity-onset diabetes of the young (MODY). Also called: Maturity onset diabetes mellitus in young. Identifiers: Orphanet 552, MedGen C0342276, MONDO:0018911, HP:0004904.
Hyperinsulinemic hypoglycemia, familial, 1 (HHF1). Also called: Persistent hyperinsulinemic hypoglycemia of infancy; HYPERINSULINISM, FAMILIAL, WITH PANCREATIC NESIDIOBLASTOSIS; HYPOGLYCEMIA, HYPERINSULINEMIC, OF INFANCY; NESIDIOBLASTOSIS OF PANCREAS; Persistent Hyperinsulinemia Hypoglycemia of Infancy. Identifiers: Orphanet 276575, Orphanet 276598, MedGen C2931832, MONDO:0009734, OMIM 256450.

Submissions (4):

Women's Health and Genetics/Laboratory Corporation of America, LabCorp
Classification: Uncertain significance. Last evaluated: 2025-06-12. Review status: criteria provided, single submitter. Criteria: LabCorp Variant Classification Summary - May 2015. Collection method: clinical testing. Allele origin: germline.
Comment: Variant summary: ABCC8 c.4012T>A (p.Trp1338Arg) results in a non-conservative amino acid change in the encoded protein sequence. Algorithms developed to predict the effect of missense changes on protein structure and function all suggest that this variant is likely to be disruptive. The variant was absent in 251456 control chromosomes. The available data on variant occurrences in the general population are insufficient to allow any conclusion about variant significance. To our knowledge, no occurrence of c.4012T>A in individuals affected with Familial Hyperinsulinism and no experimental evidence demonstrating its impact on protein function have been reported. ClinVar contains an entry for this variant (Variation ID: 557922). Based on the evidence outlined above, the variant was classified as uncertain significance.

Clinical Genomics, Uppaluri K&H Personalized Medicine Clinic
Classification: Uncertain significance for Maturity-onset diabetes of the young. Review status: criteria provided, single submitter. Criteria: K & H Uppaluri Personalized Medicine Clinic Variant Classification & Assertion Criteria_Updated V.1. Collection method: research. Allele origin: somatic. Inheritance: Somatic mutation.
Comment: Mutations in ABCC8 gene are associated with both neonatal diabetes mellitus as well as MODY. Patients with this mutation may have a better response to sulfonylureas. However, no sufficient evidence is found to ascertain the role of this particular variant (rs1554905805) in MODY yet.

Clinical Genomics, Uppaluri K&H Personalized Medicine Clinic
Classification: Uncertain significance for Transitory neonatal diabetes mellitus. Review status: criteria provided, single submitter. Criteria: K & H Uppaluri Personalized Medicine Clinic Variant Classification & Assertion Criteria_Updated V.1. Collection method: research. Allele origin: somatic. Inheritance: Somatic mutation.
Comment: Mutations in ABCC8 gene are associated with both neonatal diabetes mellitus as well as MODY. Patients with this mutation may have a better response to sulfonylureas. However, no sufficient evidence is found to ascertain the role of this particular variant (rs1554905805) in neonatal diabetes yet.

Counsyl
Classification: Uncertain significance for Hyperinsulinemic hypoglycemia, familial, 1. Last evaluated: 2018-04-17. Review status: no assertion criteria provided. Collection method: clinical testing. Allele origin: unknown. Not counted in ClinVar's aggregate classification.

Literature cited by the submitters: PubMed 16885549 (cited by Clinical Genomics, Uppaluri K&H Personalized Medicine Clinic); PubMed 21989597 (cited by Clinical Genomics, Uppaluri K&H Personalized Medicine Clinic); PubMed 27538677 (cited by Clinical Genomics, Uppaluri K&H Personalized Medicine Clinic); PubMed 18981553 (cited by Clinical Genomics, Uppaluri K&H Personalized Medicine Clinic); PubMed 32027066 (cited by Clinical Genomics, Uppaluri K&H Personalized Medicine Clinic); PubMed 16613899 (cited by Clinical Genomics, Uppaluri K&H Personalized Medicine Clinic); PubMed 18025408 (cited by Clinical Genomics, Uppaluri K&H Personalized Medicine Clinic); PubMed 32792356 (cited by Clinical Genomics, Uppaluri K&H Personalized Medicine Clinic).

NM_000352.6(ABCC8):c.4012T>A (p.Trp1338Arg)

Gene: ABCC8 (ATP binding cassette subfamily C member 8; minus strand). Cytogenetic location: 11p15.1.
Variant type: single nucleotide variant.
Coding change: c.4012T>A on transcript NM_000352.6 (MANE Select); coding-DNA position 4012, T replaced by A.
Protein change: p.Trp1338Arg; replaces tryptophan 1338 with arginine.
Molecular consequence: missense variant. On other transcripts: non-coding transcript variant (1).
Genome position (GRCh38, 1-based): chr11:17,397,023, A>T on the plus strand (T>A on the coding strand, the complement: ABCC8 is on the minus strand). VCF-style: chr11-17397023-A-T. GRCh37 (hg19) VCF-style: chr11-17418570-A-T.
Other names: c.4015T>A, p.Trp1339Arg (NM_001287174.3); c.4078T>A, p.Trp1360Arg (NM_001351295.2); c.4012T>A, p.Trp1338Arg (NM_001351296.2); c.4009T>A, p.Trp1337Arg (NM_001351297.2); short protein forms W1338R, W1339R, W1360R, W1337R.
Identifiers: ClinVar variation 557922 (VCV000557922.4), dbSNP rs1554905805, ClinGen allele CA379791113.
Genomic context (GRCh38, chr11:17,397,023, plus strand): 5'-TCAGGGAGCTGTCGTAGCGCACGCTCAGGTTCTGGATCTGGATCTTCCCTTGGTCTGGCC[A>T]GTTCTTTGGGATCAGCGATGGTGCTGGGGGCCGGGCTGGGCTCAGCCACCAGGCATGGGC-3'
Protein context (NP_000343.2, residues 1328-1348): LLAPSLIPKN[Trp1338Arg]PDQGKIQIQN